The following is an entry in ClinVar:

ClinVar aggregate classification (germline): Pathogenic (1 of 4 stars; one submission).

Conditions:
Deficiency of iodide peroxidase (TDH2A). Also called: HYPOTHYROIDISM, CONGENITAL, DUE TO DYSHORMONOGENESIS, 2A; IODIDE PEROXIDASE DEFICIENCY; THYROID HORMONOGENESIS, GENETIC DEFECT IN, 2A; THYROID PEROXIDASE DEFICIENCY; Thyroid dyshormonogenesis 2A. Identifiers: Orphanet 95716, MedGen C1291299, MONDO:0010133, OMIM 274500.

Allele frequency attached by ClinVar (database versions not stated): gnomAD exomes below 0.00001; ExAC 0.00001; TOPMed 0.00002; ESP Exome Variant Server 0.00015.
gnomAD v4.1: 3 of 1,614,110 alleles (0.00019%); highest among the groups gnomAD compares: African/African-American, 0.0013%; no homozygotes.

Submission:

Baylor Genetics
Classification: Pathogenic for Deficiency of iodide peroxidase. Last evaluated: 2020-01-10. Review status: criteria provided, single submitter. Criteria: ACMG Guidelines, 2015. Collection method: clinical testing. Allele origin: unknown. Affected: yes.
Comment: This variant was determined to be pathogenic according to ACMG Guidelines, 2015 [PMID:25741868].

NM_001206744.2(TPO):c.214C>T (p.Gln72Ter)

Gene: TPO (thyroid peroxidase; plus strand). Cytogenetic location: 2p25.3.
Variant type: single nucleotide variant.
Coding change: c.214C>T on transcript NM_001206744.2 (MANE Select); coding-DNA position 214, C replaced by T.
Protein change: p.Gln72Ter; replaces glutamine 72 with a stop codon.
Molecular consequence: nonsense.
Genome position (GRCh38, 1-based): chr2:1,433,472, C>T. VCF-style: chr2-1433472-C-T. GRCh37 (hg19) VCF-style: chr2-1437244-C-T.
Other names: c.214C>T, p.Gln72Ter (NM_000547.6, NM_001206745.2, NM_175719.4 and 2 more transcripts); short protein forms Q72*.
Identifiers: ClinVar variation 1028337 (VCV001028337.1), dbSNP rs200273438, ClinGen allele CA1511361.